The following is an entry in ClinVar:

ClinVar aggregate classification (germline): Uncertain significance (1 of 4 stars; one submission).

Submission:

Ambry Genetics
Classification: Uncertain significance. Last evaluated: 2025-07-29. Review status: criteria provided, single submitter. Criteria: Ambry Variant Classification Scheme 2023. Collection method: clinical testing. Allele origin: germline.
Comment: The p.T2195R variant (also known as c.6584C>G), located in coding exon 28 of the WNK2 gene, results from a C to G substitution at nucleotide position 6584. The threonine at codon 2195 is replaced by arginine, an amino acid with similar properties. This amino acid position is conserved. In addition, this alteration is predicted to be tolerated by in silico analysis. Based on the available evidence, the clinical significance of this variant remains unclear.

NM_006648.4(WNK2):c.6584C>G (p.Thr2195Arg)

Gene: WNK2 (WNK lysine deficient protein kinase 2; plus strand). Cytogenetic location: 9q22.31.
Variant type: single nucleotide variant.
Coding change: c.6584C>G on transcript NM_006648.4 (MANE Select); coding-DNA position 6584, C replaced by G.
Protein change: p.Thr2195Arg; replaces threonine 2195 with arginine.
Molecular consequence: missense variant.
Genome position (GRCh38, 1-based): chr9:93,317,587, C>G. VCF-style: chr9-93317587-C-G. GRCh37 (hg19) VCF-style: chr9-96079869-C-G.
Other names: c.6695C>G, p.Thr2232Arg (NM_001282394.3); short protein forms T2195R, T2232R.
Identifiers: ClinVar variation 4201680 (VCV004201680.1).
Genomic context (GRCh38, chr9:93,317,587, plus strand): 5'-CACCTCGAGCAGGAGTGGGGATGCCACGTCTGCCCCCAGCGCCCGGCCCTCTGTCCACCA[C>G]GGTCATTCCCGGAGCCGCCCCGACCCTGTCCGTGCCCACACCAGGTACTGCCCTCTCCAA-3'
Protein context (NP_006639.3, residues 2185-2205): LPPAPGPLST[Thr2195Arg]VIPGAAPTLS